The following is an entry in ClinVar:

NM_000540.3(RYR1):c.2555C>G (p.Pro852Arg)

Gene: RYR1 (ryanodine receptor 1; plus strand). Cytogenetic location: 19q13.2.
Variant type: single nucleotide variant.
Coding change: c.2555C>G on transcript NM_000540.3 (MANE Select); coding-DNA position 2555, C replaced by G.
Protein change: p.Pro852Arg; replaces proline 852 with arginine.
Molecular consequence: missense variant.
Genome position (GRCh38, 1-based): chr19:38,460,569, C>G. VCF-style: chr19-38460569-C-G. GRCh37 (hg19) VCF-style: chr19-38951209-C-G.
Other names: c.2555C>G, p.Pro852Arg (NM_001042723.2); short protein forms P852R.
Identifiers: ClinVar variation 4536165 (VCV004536165.1).
Genomic context (GRCh38, chr19:38,460,569, plus strand): 5'-GGCCCCGGGGGCCTCACCTGGTGGGCCCCAGTCGCTGCCTCTCACACACCGACTTCGTGC[C>G]CTGCCCTGTGGACACTGTCCAGGTACTGCCTGCCCTGCAAAGGTTTTCTGGCGAGGCAGG-3'
Protein context (NP_000531.2, residues 842-862): SRCLSHTDFV[Pro852Arg]CPVDTVQIVL

ClinVar aggregate classification (germline): Uncertain significance (1 of 4 stars; one submission).

Submission:

GeneDx
Classification: Uncertain significance. Last evaluated: 2025-06-06. Review status: criteria provided, single submitter. Criteria: GeneDx Variant Classification Process June 2021. Collection method: clinical testing. Allele origin: germline. Affected: yes.
Comment: Not observed at significant frequency in large population cohorts (gnomAD); In silico analysis supports that this missense variant has a deleterious effect on protein structure/function; Has not been previously published as pathogenic or benign to our knowledge